The following is an entry in ClinVar:

NM_000051.4(ATM):c.4668T>G (p.Tyr1556Ter)

Gene: ATM (ATM serine/threonine kinase; plus strand). Cytogenetic location: 11q22.3.
Variant type: single nucleotide variant.
Coding change: c.4668T>G on transcript NM_000051.4 (MANE Select); coding-DNA position 4668, T replaced by G.
Protein change: p.Tyr1556Ter; replaces tyrosine 1556 with a stop codon.
Molecular consequence: nonsense.
Genome position (GRCh38, 1-based): chr11:108,293,369, T>G. VCF-style: chr11-108293369-T-G. GRCh37 (hg19) VCF-style: chr11-108164096-T-G.
Other names: c.4668T>G, p.Tyr1556Ter (NM_001351834.2); short protein forms Y1556*.
Identifiers: ClinVar variation 846952 (VCV000846952.29), dbSNP rs766438805, ClinGen allele CA6265527.

ClinVar aggregate classification (germline): Pathogenic. Review status: criteria provided, multiple submitters, no conflicts (2 of 4 stars). 3 submissions from 3 submitters: Pathogenic (2). 1 of the submissions does not count toward it. Last evaluated 2022-05-27.

Conditions:
Familial cancer of breast. Also called: hereditary breast carcinoma; BREAST CANCER, FAMILIAL; Hereditary breast cancer. Identifiers: Orphanet 227535, MedGen C0346153, MONDO:0016419, OMIM 114480. Disease mechanism: loss of function.
Ataxia-telangiectasia syndrome (AT). Also called: Ataxia-telangiectasia, complementation group D; AT, COMPLEMENTATION GROUP C; Ataxia telangiectasia (A-T); Cerebello-oculocutaneous telangiectasia; Immunodeficiency with ataxia telangiectasia; Ataxia-telangiectasia. Identifiers: Orphanet 100, MedGen C0004135, MONDO:0008840, OMIM 208900.

Allele frequency attached by ClinVar (database versions not stated): gnomAD exomes 0.00001; ExAC 0.00003.

Submissions (3):

Clinical Genetics Laboratory, Skane University Hospital Lund
Classification: Pathogenic. Last evaluated: 2022-05-27. Review status: criteria provided, single submitter. Criteria: ACMG Guidelines, 2015. Collection method: clinical testing. Allele origin: germline. Affected: yes.

Labcorp Genetics (formerly Invitae), Labcorp
Classification: Pathogenic for Ataxia-telangiectasia syndrome. Last evaluated: 2020-11-15. Review status: criteria provided, single submitter. Criteria: Invitae Variant Classification Sherloc (09022015). Collection method: clinical testing. Allele origin: germline.
Comment: This sequence change creates a premature translational stop signal (p.Tyr1556*) in the ATM gene. It is expected to result in an absent or disrupted protein product. This variant is present in population databases (rs766438805, ExAC 0.005%). This variant has not been reported in the literature in individuals with ATM-related conditions. ClinVar contains an entry for this variant (Variation ID: 846952). Algorithms developed to predict the effect of sequence changes on RNA splicing suggest that this variant may create or strengthen a splice site, but this prediction has not been confirmed by published transcriptional studies. Loss-of-function variants in ATM are known to be pathogenic (PMID: 23807571, 25614872). For these reasons, this variant has been classified as Pathogenic.

BRCAlab, Lund University
Classification: Pathogenic for Familial cancer of breast. Last evaluated: 2022-08-26. Review status: no assertion criteria provided. Collection method: clinical testing. Allele origin: germline. Affected: yes. Not counted in ClinVar's aggregate classification.

Literature cited by the submitters: PubMed 23807571 (cited by Labcorp Genetics (formerly Invitae), Labcorp); PubMed 25614872 (cited by Labcorp Genetics (formerly Invitae), Labcorp).